The following is an entry in ClinVar:

NM_005429.5(VEGFC):c.182G>A (p.Arg61Gln)

Gene: VEGFC (vascular endothelial growth factor C; minus strand). Cytogenetic location: 4q34.3.
Variant type: single nucleotide variant.
Coding change: c.182G>A on transcript NM_005429.5 (MANE Select); coding-DNA position 182, G replaced by A.
Protein change: p.Arg61Gln; replaces arginine 61 with glutamine.
Molecular consequence: missense variant.
Genome position (GRCh38, 1-based): chr4:176,729,712, C>T on the plus strand (G>A on the coding strand, the complement: VEGFC is on the minus strand). VCF-style: chr4-176729712-C-T. GRCh37 (hg19) VCF-style: chr4-177650866-C-T.
Other names: c.182G>A (NM_005429.4); short protein forms R61Q.
Identifiers: ClinVar variation 994064 (VCV000994064.15), dbSNP rs41278571, ClinGen allele CA3145981.
Genomic context (GRCh38, chr4:176,729,712, plus strand): 5'-TACATTTTCCAATATTCTGGGTAGAGTACAGTCATGAGTTCATCTACACTGGACACAGAC[C>T]GTAACTGCTCCTCCAGATCTTTGCTTGCATAAGCCTGTCAAAGAAAAATGCAAGATCAAT-3'
Protein context (NP_005420.1, residues 51-71): YASKDLEEQL[Arg61Gln]SVSSVDELMT

ClinVar aggregate classification (germline): Benign. Review status: criteria provided, multiple submitters, no conflicts (2 of 4 stars). 3 submissions from 3 submitters: Benign (3). Last evaluated 2025-11-01.

Conditions:
Lymphatic malformation 4 (LMPHM4). Also called: Lymphedema, hereditary, ID. Identifiers: Orphanet 79452, MedGen C4747769, MONDO:0014393, OMIM 615907.
VEGFC-related disorder. Also called: VEGFC-related condition.

Allele frequency attached by ClinVar (database versions not stated): 1000 Genomes Project 0.00359; 1000 Genomes Project 30x 0.00375; TOPMed 0.00609; ESP Exome Variant Server 0.00802; gnomAD 0.01044 and 0.01086; gnomAD exomes 0.01117; ExAC 0.01176.
gnomAD v4.1: 17,144 of 1,605,938 alleles (1.1%); highest among the groups gnomAD compares: Non-Finnish European, 1.1%; 169 homozygotes.

Submissions (3):

CeGaT Center for Human Genetics Tuebingen
Classification: Benign. Last evaluated: 2025-11-01. Review status: criteria provided, single submitter. Criteria: CeGaT Center For Human Genetics Tuebingen Variant Classification Criteria Version 2. Collection method: clinical testing. Allele origin: germline. Affected: yes. Observed: 1 variant allele.
Comment: VEGFC: BS1, BS2

PreventionGenetics, part of Exact Sciences
Classification: Benign for VEGFC-related condition. Last evaluated: 2025-05-09. Review status: criteria provided, single submitter. Criteria: ACMG Guidelines, 2015. Collection method: clinical testing. Allele origin: germline.
Comment: This variant is classified as benign based on ACMG/AMP sequence variant interpretation guidelines (Richards et al. 2015 PMID: 25741868, with internal and published modifications).

ARUP Laboratories, Molecular Genetics and Genomics, ARUP Laboratories
Classification: Benign for Lymphatic malformation 4. Last evaluated: 2023-08-28. Review status: criteria provided, single submitter. Criteria: ARUP Molecular Germline Variant Investigation Process 2024. Collection method: clinical testing. Allele origin: germline.